The following is an entry in ClinVar:

ClinVar aggregate classification (germline): Conflicting classifications of pathogenicity. Review status: criteria provided, conflicting classifications (1 of 4 stars). 3 submissions from 3 submitters: Likely pathogenic (2); Uncertain significance (1). Last evaluated 2025-10-05.

Conditions:
SLC38A8-related disorder. Also called: SLC38A8-related condition.
Isolated foveal hypoplasia. Identifiers: Orphanet 519398, MedGen C1850993, MONDO:0034978.

Submissions (3):

Genetics Department, University Hospital of Toulouse
Classification: Likely pathogenic for Isolated foveal hypoplasia. Last evaluated: 2025-10-05. Review status: criteria provided, single submitter. Criteria: ACMG Guidelines, 2015. Collection method: clinical testing. Allele origin: maternal. Affected: yes.
Comment: The variant NM_001080442.3:c.682G>A p.(Gly228Arg) was found in trans of the variant NM_001080442.3:c.932C>T p.(Pro311Leu) . It is considered likely pathogenic according to ACMG criteria (PM1, PM2, PP1, PP3, PP4).

Women's Health and Genetics/Laboratory Corporation of America, LabCorp
Classification: Uncertain significance. Last evaluated: 2025-04-08. Review status: criteria provided, single submitter. Criteria: LabCorp Variant Classification Summary - May 2015. Collection method: clinical testing. Allele origin: germline.
Comment: Variant summary: SLC38A8 c.682G>A (p.Gly228Arg) results in a non-conservative amino acid change in the encoded protein sequence. Four of five in-silico tools predict a damaging effect of the variant on protein function. The variant allele was found at a frequency of 2e-05 in 251322 control chromosomes (gnomAD). c.682G>A has been reported in the literature in a homozygous individual affected with Foveal Hypoplasia (Gopinath_2023). These data indicate that the variant may be associated with disease. To our knowledge, no experimental evidence demonstrating an impact on protein function has been reported. The following publications have been ascertained in the context of this evaluation (PMID: 32744312, 36648511). No submitters have cited clinical-significance assessments for this variant to ClinVar. Based on the evidence outlined above, the variant was classified as VUS-possibly pathogenic.

PreventionGenetics, part of Exact Sciences
Classification: Likely pathogenic for SLC38A8-related condition. Last evaluated: 2024-10-23. Review status: criteria provided, single submitter. Criteria: ACMG Guidelines, 2015. Collection method: clinical testing. Allele origin: germline.
Comment: The SLC38A8 c.682G>A variant is predicted to result in the amino acid substitution p.Gly228Arg. This variant has been reported in the confirmed homozygous state in an individual with foveal hypoplasia (Table S1, Gopinath et al. 2023. PubMed ID: 36648511). This variant has also been reported along with a second SLC38A8 variant on the same allele (i.e. in cis); both variants were on the opposite allele (i.e. in trans) to a third SLC38A8 variant in an individual with foveal hypoplasia (Kuht et al. 2020. PubMed ID: 32744312). An alternate nucleotide variant causing this same amino acid substitution (c.682G>C, p.Gly228Arg) has also been reported in the compound heterozygous state in an individual with foveal hypoplasia (Jiang et al. 2021. PubMed ID: 34415986). This variant is present in 0.0065% of alleles in individuals of South Asian descent in gnomAD. Given the evidence, we interpret this variant as likely pathogenic.

Literature cited by the submitters: PubMed 35157951 (cited by Genetics Department, University Hospital of Toulouse); PubMed 32744312 (cited by Women's Health and Genetics/Laboratory Corporation of America, LabCorp); PubMed 36648511 (cited by Women's Health and Genetics/Laboratory Corporation of America, LabCorp).

NM_001080442.3(SLC38A8):c.682G>A (p.Gly228Arg)

Gene: SLC38A8 (solute carrier family 38 member 8; minus strand). Cytogenetic location: 16q23.3.
Variant type: single nucleotide variant.
Coding change: c.682G>A on transcript NM_001080442.3 (MANE Select); coding-DNA position 682, G replaced by A.
Protein change: p.Gly228Arg; replaces glycine 228 with arginine.
Molecular consequence: missense variant.
Genome position (GRCh38, 1-based): chr16:84,029,502, C>T on the plus strand (G>A on the coding strand, the complement: SLC38A8 is on the minus strand). VCF-style: chr16-84029502-C-T. GRCh37 (hg19) VCF-style: chr16-84063107-C-T.
Other names: c.682G>A (NM_001080442.2); short protein forms G228R.
Identifiers: ClinVar variation 3896413 (VCV003896413.4).